The following is an entry in ClinVar:

NM_001040142.2(SCN2A):c.4435C>G (p.Gln1479Glu)

Gene: SCN2A (sodium voltage-gated channel alpha subunit 2; plus strand). Cytogenetic location: 2q24.3.
Variant type: single nucleotide variant.
Coding change: c.4435C>G on transcript NM_001040142.2 (MANE Select); coding-DNA position 4435, C replaced by G.
Protein change: p.Gln1479Glu; replaces glutamine 1479 with glutamic acid.
Molecular consequence: missense variant.
Genome position (GRCh38, 1-based): chr2:165,380,718, C>G. VCF-style: chr2-165380718-C-G. GRCh37 (hg19) VCF-style: chr2-166237228-C-G.
Other names: c.4435C>G, p.Gln1479Glu (NM_001040143.2, NM_001371246.1, NM_001371247.1 and 1 more transcripts); short protein forms Q1479E.
Identifiers: ClinVar variation 464911 (VCV000464911.9), dbSNP rs1553462134, ClinGen allele CA349034347.

ClinVar aggregate classification (germline): Uncertain significance (1 of 4 stars; one submission).

Conditions:
Developmental and epileptic encephalopathy, 11 (DEE11). Also called: Early infantile epileptic encephalopathy 11. Identifiers: Orphanet 1934, MedGen C3150987, MONDO:0013388, OMIM 613721.
Seizures, benign familial infantile, 3 (BFIS3). Also called: CONVULSIONS, BENIGN FAMILIAL INFANTILE, 3; Familial neonatal seizures. Identifiers: Orphanet 140927, Orphanet 306, MedGen C1843140, MONDO:0011904, OMIM 607745.

Submission:

Labcorp Genetics (formerly Invitae), Labcorp
Classification: Uncertain significance for Seizures, benign familial infantile, 3; Developmental and epileptic encephalopathy, 11. Last evaluated: 2024-02-24. Review status: criteria provided, single submitter. Criteria: Invitae Variant Classification Sherloc (09022015). Collection method: clinical testing. Allele origin: germline.
Comment: This sequence change replaces glutamine, which is neutral and polar, with glutamic acid, which is acidic and polar, at codon 1479 of the SCN2A protein (p.Gln1479Glu). This variant is not present in population databases (gnomAD no frequency). This missense change has been observed in individual(s) with clinical features of SCN2A-related conditions (PMID: 29655203). ClinVar contains an entry for this variant (Variation ID: 464911). Advanced modeling of protein sequence and biophysical properties (such as structural, functional, and spatial information, amino acid conservation, physicochemical variation, residue mobility, and thermodynamic stability) performed at Invitae indicates that this missense variant is expected to disrupt SCN2A protein function with a positive predictive value of 95%. In summary, the available evidence is currently insufficient to determine the role of this variant in disease. Therefore, it has been classified as a Variant of Uncertain Significance.

Literature cited by the submitters: PubMed 29655203.